The following is an entry in ClinVar:

ClinVar aggregate classification (germline): Uncertain significance (1 of 4 stars; one submission).

Conditions:
Mucopolysaccharidosis, MPS-III-D (MPS3D). Also called: Mucopoly-saccharidosis type 3D; N-acetylglucosamine-6-sulfate sulfatase deficiency; MPS 3D; MPS IIID (Sanfilippo Syndrome Type D); MUCOPOLYSACCHARIDOSIS, TYPE IIID; N-ACETYLGLUCOSAMINE-6-SULFATASE DEFICIENCY. Identifiers: Orphanet 581, Orphanet 79272, MedGen C0086650, MONDO:0009658, OMIM 252940.

Submission:

Labcorp Genetics (formerly Invitae), Labcorp
Classification: Uncertain significance for Mucopolysaccharidosis, MPS-III-D. Last evaluated: 2021-09-16. Review status: criteria provided, single submitter. Criteria: Invitae Variant Classification Sherloc (09022015). Collection method: clinical testing. Allele origin: germline.
Comment: This variant has not been reported in the literature in individuals with GNS-related conditions. In summary, the available evidence is currently insufficient to determine the role of this variant in disease. Therefore, it has been classified as a Variant of Uncertain Significance. Algorithms developed to predict the effect of missense changes on protein structure and function (SIFT, PolyPhen-2, Align-GVGD) all suggest that this variant is likely to be tolerated, but these predictions have not been confirmed by published functional studies and their clinical significance is uncertain. This variant is not present in population databases (ExAC no frequency). This sequence change replaces asparagine with lysine at codon 387 of the GNS protein (p.Asn387Lys). The asparagine residue is highly conserved and there is a moderate physicochemical difference between asparagine and lysine.

NM_002076.4(GNS):c.1161T>G (p.Asn387Lys)

Gene: GNS (glucosamine (N-acetyl)-6-sulfatase; minus strand). Cytogenetic location: 12q14.3.
Variant type: single nucleotide variant.
Coding change: c.1161T>G on transcript NM_002076.4 (MANE Select); coding-DNA position 1161, T replaced by G.
Protein change: p.Asn387Lys; replaces asparagine 387 with lysine.
Molecular consequence: missense variant.
Genome position (GRCh38, 1-based): chr12:64,728,995, A>C on the plus strand (T>G on the coding strand, the complement: GNS is on the minus strand). VCF-style: chr12-64728995-A-C. GRCh37 (hg19) VCF-style: chr12-65122775-A-C.
Other names: short protein forms N387K.
Identifiers: ClinVar variation 1349641 (VCV001349641.8), dbSNP rs2136240532, ClinGen allele CA385604249.